The following is an entry in ClinVar:

ClinVar aggregate classification (germline): Pathogenic/Likely pathogenic. Review status: criteria provided, multiple submitters, no conflicts (2 of 4 stars). 2 submissions from 2 submitters: Pathogenic (1); Likely pathogenic (1). Last evaluated 2026-01-14.

Conditions:
Oculocutaneous albinism type 1A (OCA1A). Also called: Albinism, oculocutaneous, type IA. Identifiers: Orphanet 352731, Orphanet 79431, MedGen C4551504, MONDO:0008745, OMIM 203100. Disease mechanism: loss of function.
Oculocutaneous albinism type 1B (OCA1B). Also called: ALBINISM, OCULOCUTANEOUS, TYPE IB; ALBINISM, YELLOW MUTANT TYPE; YELLOW ALBINISM. Identifiers: Orphanet 352731, Orphanet 352737, Orphanet 79434, MedGen C1847024, MONDO:0011749, OMIM 606952.

gnomAD v4.1: 1 of 1,614,106 alleles (0.000062%); highest among the groups gnomAD compares: Admixed American, 0.0017%; no homozygotes.

Submissions (2):

Labcorp Genetics (formerly Invitae), Labcorp
Classification: Pathogenic. Last evaluated: 2026-01-14. Review status: criteria provided, single submitter. Criteria: Invitae Variant Classification Sherloc (09022015). Collection method: clinical testing. Allele origin: germline.
Comment: This sequence change replaces aspartic acid, which is acidic and polar, with glycine, which is neutral and non-polar, at codon 249 of the TYR protein (p.Asp249Gly). This variant is not present in population databases (gnomAD no frequency). This missense change has been observed in individual(s) with oculocutaneous albinism (PMID: 19865097, 34838614). Invitae Evidence Modeling of protein sequence and biophysical properties (such as structural, functional, and spatial information, amino acid conservation, physicochemical variation, residue mobility, and thermodynamic stability) indicates that this missense variant is expected to disrupt TYR protein function with a positive predictive value of 95%. Algorithms developed to predict the effect of sequence changes on RNA splicing suggest that this variant may disrupt the consensus splice site. This variant disrupts the p.Asp249 amino acid residue in TYR. Other variant(s) that disrupt this residue have been determined to be pathogenic (internal data). This suggests that this residue is clinically significant, and that variants that disrupt this residue are likely to be disease-causing. For these reasons, this variant has been classified as Pathogenic.

Juno Genomics, Hangzhou Juno Genomics, Inc
Classification: Likely pathogenic for Oculocutaneous albinism type 1A; Oculocutaneous albinism type 1B. Review status: criteria provided, single submitter. Criteria: ACMG Guidelines, 2015. Collection method: clinical testing. Allele origin: germline.
Comment: Absent from controls (or at extremely low frequency if recessive) in Genome Aggregation Database.;Multiple lines of computational evidence support a deleterious effect on the gene or gene product.;For recessive disorders, detected in trans with a pathogenic variant.

Literature cited by the submitters: PubMed 19865097 (cited by Labcorp Genetics (formerly Invitae), Labcorp); PubMed 34838614 (cited by Labcorp Genetics (formerly Invitae), Labcorp).

NM_000372.5(TYR):c.746A>G (p.Asp249Gly)

Gene: TYR (tyrosinase; plus strand). Cytogenetic location: 11q14.3.
Variant type: single nucleotide variant.
Coding change: c.746A>G on transcript NM_000372.5 (MANE Select); coding-DNA position 746, A replaced by G.
Protein change: p.Asp249Gly; replaces aspartic acid 249 with glycine.
Molecular consequence: missense variant.
Genome position (GRCh38, 1-based): chr11:89,178,699, A>G. VCF-style: chr11-89178699-A-G. GRCh37 (hg19) VCF-style: chr11-88911867-A-G.
Other names: short protein forms D249G.
Identifiers: ClinVar variation 4709876 (VCV004709876.3).